The following is an entry in ClinVar:

ClinVar aggregate classification (germline): Benign (1 of 4 stars; one submission).

Conditions:
Stuve-Wiedemann syndrome (STWS). Also called: Stüve-Wiedemann syndrome. Identifiers: Orphanet 3206, MedGen C0796176, MONDO:0031280.

Allele frequency attached by ClinVar (database versions not stated): 1000 Genomes Project 0.00479; 1000 Genomes Project 30x 0.00515; TOPMed 0.01381; gnomAD 0.01558 and 0.01616; gnomAD exomes 0.01621.
gnomAD v4.1: 4,325 of 273,164 alleles (1.6%); highest among the groups gnomAD compares: Non-Finnish European, 2.3%; 35 homozygotes.

Submission:

Illumina Laboratory Services, Illumina
Classification: Benign for Stüve-Wiedemann syndrome 1. Last evaluated: 2018-01-13. Review status: criteria provided, single submitter. Criteria: ICSL Variant Classification Criteria 13 December 2019. Collection method: clinical testing. Allele origin: germline.
Comment: This variant was observed in the ICSL laboratory as part of a predisposition screen in an ostensibly healthy population. It had not been previously curated by ICSL or reported in the Human Gene Mutation Database (HGMD: prior to June 1st, 2018), and was therefore a candidate for classification through an automated scoring system. Utilizing variant allele frequency, disease prevalence and penetrance estimates, and inheritance mode, an automated score was calculated to assess if this variant is too frequent to cause the disease. Based on the score and internal cut-off values, a variant classified as benign is not then subjected to further curation. The score for this variant resulted in a classification of benign for this disease.

NM_001127671.2(LIFR):c.*426G>A

Gene: LIFR (LIF receptor subunit alpha; minus strand). Cytogenetic location: 5p13.1.
Variant type: single nucleotide variant.
Coding change: c.*426G>A on transcript NM_001127671.2 (MANE Select); 426 bases downstream of the stop codon, G replaced by A.
Molecular consequence: 3 prime UTR variant.
Genome position (GRCh38, 1-based): chr5:38,481,169, C>T on the plus strand (G>A on the coding strand, the complement: LIFR is on the minus strand). VCF-style: chr5-38481169-C-T. GRCh37 (hg19) VCF-style: chr5-38481271-C-T.
Other names: c.*426G>A (NM_001364297.2, NM_001364298.2, NM_002310.6).
Identifiers: ClinVar variation 906388 (VCV000906388.4), dbSNP rs116625329, ClinGen allele CA117133613.